The following is an entry in ClinVar:

NM_001002010.5(NT5C3A):c.325A>C (p.Lys109Gln)

Gene: NT5C3A (5'-nucleotidase, cytosolic IIIA; minus strand). Cytogenetic location: 7p14.3.
Variant type: single nucleotide variant.
Coding change: c.325A>C on transcript NM_001002010.5 (MANE Select); coding-DNA position 325, A replaced by C.
Protein change: p.Lys109Gln; replaces lysine 109 with glutamine.
Molecular consequence: missense variant.
Genome position (GRCh38, 1-based): chr7:33,022,082, T>G on the plus strand (A>C on the coding strand, the complement: NT5C3A is on the minus strand). VCF-style: chr7-33022082-T-G. GRCh37 (hg19) VCF-style: chr7-33061694-T-G.
Other names: p.Lys109Gln; c.325A>C (NM_001002010.4); c.223A>C, p.Lys75Gln (NM_001002009.3, NM_016489.14); c.187A>C, p.Lys63Gln (NM_001166118.3, NM_001356996.3, NM_001374336.1 and 1 more transcripts); c.226A>C, p.Lys76Gln (NM_001374335.1); c.325A>C, p.Lys109Gln (NM_001374338.1); c.124A>C, p.Lys42Gln (NM_001374339.1); short protein forms K75Q, K63Q, K109Q, K42Q, K76Q.
Identifiers: ClinVar variation 618762 (VCV000618762.21), dbSNP rs144452782, ClinGen allele CA4213471.

ClinVar aggregate classification (germline): Uncertain significance. Review status: criteria provided, multiple submitters, no conflicts (2 of 4 stars). 4 submissions from 4 submitters: Uncertain significance (4). Last evaluated 2025-08-01.

Conditions:
Hemolytic anemia due to pyrimidine 5' nucleotidase deficiency (CNSHA8). Also called: HEMOLYTIC ANEMIA DUE TO P5N DEFICIENCY; HEMOLYTIC ANEMIA DUE TO UMPH1 DEFICIENCY; P5N DEFICIENCY; PYRIMIDINE 5-PRIME NUCLEOTIDASE DEFICIENCY, HEMOLYTIC ANEMIA DUE TO; UMPH1 DEFICIENCY. Identifiers: Orphanet 35120, MedGen C1849507, MONDO:0009946, OMIM 266120.

Allele frequency attached by ClinVar (database versions not stated): 1000 Genomes Project 30x 0.00062; gnomAD 0.00113 and 0.00115; 1000 Genomes Project 0.00060; TOPMed 0.00100; gnomAD exomes 0.00117 and 0.00089; ESP Exome Variant Server 0.00146; ExAC 0.00096.
gnomAD v4.1: 1,796 of 1,528,350 alleles (0.12%); highest among the groups gnomAD compares: Admixed American, 0.18%; 1 homozygote.

Submissions (4):

Mayo Clinic Laboratories, Mayo Clinic
Classification: Uncertain significance. Last evaluated: 2025-08-01. Review status: criteria provided, single submitter. Criteria: ACMG Guidelines, 2015. Collection method: clinical testing. Allele origin: germline. Observed: 4 variant alleles.

ARUP Laboratories, Molecular Genetics and Genomics, ARUP Laboratories
Classification: Uncertain significance for Hemolytic anemia due to pyrimidine 5' nucleotidase deficiency. Last evaluated: 2025-07-18. Review status: criteria provided, single submitter. Criteria: ARUP Molecular Germline Variant Investigation Process 2024. Collection method: clinical testing. Allele origin: germline.
Comment: The NT5C3A c.223A>C; p.Lys75Gln variant (rs144452782), to our knowledge, is not reported in the medical literature but is reported in ClinVar (Variation ID: 618762). This variant is found in the general population with an overall allele frequency of 0.1% (252/279534 alleles) in the Genome Aggregation Database (v2.1.1). Computational analyses are uncertain whether this variant is neutral or deleterious (REVEL: 0.507). Due to limited information, the clinical significance of this NT5C3A variant is uncertain at this time.

Labcorp Genetics (formerly Invitae), Labcorp
Classification: Uncertain significance. Last evaluated: 2025-01-20. Review status: criteria provided, single submitter. Criteria: Invitae Variant Classification Sherloc (09022015). Collection method: clinical testing. Allele origin: germline.
Comment: This sequence change replaces lysine, which is basic and polar, with glutamine, which is neutral and polar, at codon 75 of the NT5C3A protein (p.Lys75Gln). This variant is present in population databases (rs144452782, gnomAD 0.2%), and has an allele count higher than expected for a pathogenic variant. This variant has not been reported in the literature in individuals affected with NT5C3A-related conditions. ClinVar contains an entry for this variant (Variation ID: 618762). Invitae Evidence Modeling of protein sequence and biophysical properties (such as structural, functional, and spatial information, amino acid conservation, physicochemical variation, residue mobility, and thermodynamic stability) indicates that this missense variant is not expected to disrupt NT5C3A protein function with a negative predictive value of 80%. In summary, the available evidence is currently insufficient to determine the role of this variant in disease. Therefore, it has been classified as a Variant of Uncertain Significance.

New York Genome Center
Classification: Uncertain significance for Hemolytic anemia due to pyrimidine 5' nucleotidase deficiency. Last evaluated: 2020-07-31. Review status: criteria provided, single submitter. Criteria: NYGC Assertion Criteria 2020. Collection method: clinical testing. Allele origin: inherited. Observed: 1 heterozygote. Study: CSER-NYCKidSeq.

Literature cited by the submitters: PubMed 18499901 (cited by Mayo Clinic Laboratories, Mayo Clinic).